The following is an entry in ClinVar:

NM_001388492.1(HTT):c.6018C>T (p.Arg2006=)

Gene: HTT (huntingtin; plus strand). Cytogenetic location: 4p16.3.
Variant type: single nucleotide variant.
Coding change: c.6018C>T on transcript NM_001388492.1 (MANE Select); coding-DNA position 6018, C replaced by T.
Protein change: p.Arg2006=; no amino-acid change (arginine 2006 retained).
Molecular consequence: synonymous variant.
Genome position (GRCh38, 1-based): chr4:3,206,926, C>T. VCF-style: chr4-3206926-C-T. GRCh37 (hg19) VCF-style: chr4-3208653-C-T.
Other names: c.6024C>T, p.Arg2008= (NM_002111.8).
Identifiers: ClinVar variation 3037076 (VCV003037076.1), dbSNP rs765774656, ClinGen allele CA2824879.

ClinVar aggregate classification (germline): Likely benign (1 of 4 stars; one submission).

Conditions:
HTT-related disorder. Also called: HTT-related condition.

Allele frequency attached by ClinVar (database versions not stated): ExAC 0.00001.
gnomAD v4.1: 57 of 1,613,988 alleles (0.0035%); highest among the groups gnomAD compares: Non-Finnish European, 0.0047%; no homozygotes.

Submission:

PreventionGenetics, part of Exact Sciences
Classification: Likely benign for HTT-related condition. Last evaluated: 2021-10-12. Review status: criteria provided, single submitter. Criteria: ACMG Guidelines, 2015. Collection method: clinical testing. Allele origin: germline.
Comment: This variant is classified as likely benign based on ACMG/AMP sequence variant interpretation guidelines (Richards et al. 2015 PMID: 25741868, with internal and published modifications).